The following is an entry in ClinVar:

ClinVar aggregate classification (germline): Pathogenic/Likely pathogenic. Review status: criteria provided, multiple submitters, no conflicts (2 of 4 stars). 3 submissions from 3 submitters: Pathogenic (1); Likely pathogenic (1). 1 of the submissions does not count toward it. Last evaluated 2026-04-01.

Conditions:
Autosomal dominant nonsyndromic hearing loss 12. Also called: DEAFNESS, AUTOSOMAL DOMINANT 8. Identifiers: Orphanet 90635, MedGen C1832187, MONDO:0011102, OMIM 601543.

Submissions (3):

GeneDx
Classification: Pathogenic. Last evaluated: 2026-04-01. Review status: criteria provided, single submitter. Criteria: GeneDx Variant Classification Process June 2021. Collection method: clinical testing. Allele origin: germline.
Comment: Not observed at significant frequency in large population cohorts (gnomAD); In silico analysis supports that this missense variant has a deleterious effect on protein structure/function; This variant is associated with the following publications: (PMID: 17661817, 21520338, 31554319, 9590290, 16718611)

Precision Medicine Center, Zhengzhou University
Classification: Likely pathogenic for Autosomal dominant nonsyndromic hearing loss 12. Last evaluated: 2006-06-30. Review status: criteria provided, single submitter. Criteria: ClinGen HL ACMG Specifications v1. Collection method: clinical testing. Allele origin: unknown. Affected: yes.
Comment: PM2+PP1_strong+PP3:The TECTA c.5509T>C variant is a missense change located in the coding region of the TECTA gene. This variant is absent or extremely rare in population databases, including gnomAD, supporting its rarity in the general population (PM2). In silico prediction tools consistently suggest that this variant is deleterious to TECTA protein function (PP3), supporting a potential impact on protein structure or function. Segregation in eight affected relatives for dominant (PMID: 17661817) (PP1_Strong). According to ACMG/AMP guidelines, this variant is classified as likely Pathogenic.

OMIM
Classification: Pathogenic for DEAFNESS, AUTOSOMAL DOMINANT 12. Last evaluated: 2007-08-01. Review status: no assertion criteria provided. Collection method: literature only. Allele origin: germline. Not counted in ClinVar's aggregate classification.

Literature cited by the submitters: PubMed 17661817 (cited by Precision Medicine Center, Zhengzhou University and OMIM).

NM_005422.4(TECTA):c.5509T>C (p.Cys1837Arg)

Genes: TBCEL-TECTA (TBCEL-TECTA readthrough; plus strand), TECTA (tectorin alpha; plus strand). Cytogenetic location: 11q23.3.
Variant type: single nucleotide variant.
Coding change: c.5509T>C on transcript NM_005422.4 (MANE Select); coding-DNA position 5509, T replaced by C.
Protein change: p.Cys1837Arg; replaces cysteine 1837 with arginine.
Molecular consequence: missense variant.
Genome position (GRCh38, 1-based): chr11:121,166,703, T>C. VCF-style: chr11-121166703-T-C. GRCh37 (hg19) VCF-style: chr11-121037412-T-C.
Other names: c.5509T>C (NM_005422.2); c.6451T>C, p.Cys2151Arg (NM_001378761.1); short protein forms C1837R, C2151R.
Identifiers: ClinVar variation 7023 (VCV000007023.3), dbSNP rs121909061, ClinGen allele CA254072.
Genomic context (GRCh38, chr11:121,166,703, plus strand): 5'-AAGTGCAAGCTCTTCCAGCTCGGTTTTGAGAGGGAGGGCGTGAGGATCAATGACAGACAG[T>C]GCACCGGCATCGAGGGGGAAGATTTTATCTCCTTTCAGATCAACAACACCAAAGGGAATT-3'
Protein context (NP_005413.2, residues 1827-1847): REGVRINDRQ[Cys1837Arg]TGIEGEDFIS